The following is an entry in ClinVar:

NM_000553.6(WRN):c.1676C>T (p.Ser559Leu)

Gene: WRN (WRN RecQ like helicase; plus strand). Cytogenetic location: 8p12.
Variant type: single nucleotide variant.
Coding change: c.1676C>T on transcript NM_000553.6 (MANE Select); coding-DNA position 1676, C replaced by T.
Protein change: p.Ser559Leu; replaces serine 559 with leucine.
Molecular consequence: missense variant.
Genome position (GRCh38, 1-based): chr8:31,090,488, C>T. VCF-style: chr8-31090488-C-T. GRCh37 (hg19) VCF-style: chr8-30948004-C-T.
Other names: short protein forms S559L.
Identifiers: ClinVar variation 2809619 (VCV002809619.3), dbSNP rs2535930269, ClinGen allele CA370926905.

ClinVar aggregate classification (germline): Uncertain significance (1 of 4 stars; one submission).

Conditions:
Werner syndrome (WRN). Identifiers: Orphanet 902, MedGen C0043119, MONDO:0010196, OMIM 277700.

Submission:

Labcorp Genetics (formerly Invitae), Labcorp
Classification: Uncertain significance for Werner syndrome. Last evaluated: 2022-10-25. Review status: criteria provided, single submitter. Criteria: Invitae Variant Classification Sherloc (09022015). Collection method: clinical testing. Allele origin: germline.
Comment: Algorithms developed to predict the effect of sequence changes on RNA splicing suggest that this variant may disrupt the consensus splice site. In summary, the available evidence is currently insufficient to determine the role of this variant in disease. Therefore, it has been classified as a Variant of Uncertain Significance. Algorithms developed to predict the effect of missense changes on protein structure and function are either unavailable or do not agree on the potential impact of this missense change (SIFT: "Not Available"; PolyPhen-2: "Probably Damaging"; Align-GVGD: "Not Available"). This variant has not been reported in the literature in individuals affected with WRN-related conditions. This variant is not present in population databases (gnomAD no frequency). This sequence change replaces serine, which is neutral and polar, with leucine, which is neutral and non-polar, at codon 559 of the WRN protein (p.Ser559Leu).